The following is an entry in ClinVar:

ClinVar aggregate classification (germline): Uncertain significance (1 of 4 stars; one submission).

Submission:

GeneDx
Classification: Uncertain significance. Last evaluated: 2024-05-16. Review status: criteria provided, single submitter. Criteria: GeneDx Variant Classification Process June 2021. Collection method: clinical testing. Allele origin: germline. Affected: yes.
Comment: Not observed at significant frequency in large population cohorts (gnomAD); Frameshift variant predicted to result in protein truncation or nonsense mediated decay in a gene or region of a gene for which loss of function is not a well-established mechanism of disease; Has not been previously published as pathogenic or benign to our knowledge

NM_006828.4(ASCC3):c.3322dup (p.Arg1108fs)

Gene: ASCC3 (activating signal cointegrator 1 complex subunit 3; minus strand). Cytogenetic location: 6q16.3.
Variant type: Duplication.
Coding change: c.3322dup on transcript NM_006828.4 (MANE Select); coding-DNA position 3322, one base duplicated (A; older notation c.3322dupA).
Protein change: p.Arg1108fs; shifts the reading frame from arginine 1108.
Molecular consequence: frameshift variant.
Genome position (GRCh38, 1-based): chr6:100,647,382, T duplicated on the plus strand (A on the coding strand, the reverse complement: ASCC3 is on the minus strand). VCF-style (leftmost placement, unchanged base first): chr6-100647381-C-CT. GRCh37 (hg19) VCF-style: chr6-101095257-C-CT.
Other names: short protein forms R1108fs.
Identifiers: ClinVar variation 3381512 (VCV003381512.1).